The following is an entry in ClinVar:

NM_080680.3(COL11A2):c.2583+1G>A

Gene: COL11A2 (collagen type XI alpha 2 chain; minus strand). Cytogenetic location: 6p21.32.
Variant type: single nucleotide variant.
Coding change: c.2583+1G>A on transcript NM_080680.3 (MANE Select); the canonical splice donor site of the intron after coding-DNA position 2583, G replaced by A.
Molecular consequence: splice donor variant.
Genome position (GRCh38, 1-based): chr6:33,173,872, C>T on the plus strand (G>A on the coding strand, the complement: COL11A2 is on the minus strand). VCF-style: chr6-33173872-C-T. GRCh37 (hg19) VCF-style: chr6-33141649-C-T.
Other names: c.2262+1G>A (NM_080679.3); c.2325+1G>A (NM_080681.3).
Identifiers: ClinVar variation 489083 (VCV000489083.2), dbSNP rs1554218503, ClinGen allele CA363642862.
Genomic context (GRCh38, chr6:33,173,872, plus strand): 5'-TTGAGGGAGAGCTGGGGCTGAGTGGGCAGGGGGCAGTTGGAGCCTTGTAGAGACCATTCA[C>T]CTTAGCTCCAGACTTCCCAGTGGCACCTCGGGGTCCCCGCTGACCCCGTGGACCCTACAG-3'

ClinVar aggregate classification (germline): Likely pathogenic (1 of 4 stars; one submission).

Submission:

GeneDx
Classification: Likely pathogenic. Last evaluated: 2017-10-31. Review status: criteria provided, single submitter. Criteria: GeneDx Variant Classification (06012015). Collection method: clinical testing. Allele origin: germline. Affected: yes.
Comment: The c.2583+1G>A variant in the COL11A2 gene has not been reported previously as a pathogenic variant nor as a benign variant, to our knowledge. This splice site variant destroys the canonical splice donor site in intron 34. The c.2583+1G>A variant is not observed in large population cohorts (Lek et al., 2016). We interpret c.2583+1G>A as a likely pathogenic variant.